The following is an entry in ClinVar:

NM_001372106.1(DNAH10):c.11893_11896del (p.Asp3965fs)

Gene: DNAH10 (dynein axonemal heavy chain 10; plus strand). Cytogenetic location: 12q24.31.
Variant type: Microsatellite.
Coding change: c.11893_11896del on transcript NM_001372106.1 (MANE Select); coding-DNA positions 11893 to 11896, 4 bases deleted (GACT; older notation c.11893_11896delGACT).
Protein change: p.Asp3965fs; shifts the reading frame from aspartic acid 3965.
Molecular consequence: frameshift variant.
Genome position (GRCh38, 1-based): chr12:123,925,176-123,925,179, GACT deleted; deleting any 4 consecutive bases within chr12:123,925,171-123,925,179 gives the same sequence; the c. name uses the placement nearest the transcript's 3' end. VCF-style (leftmost placement, unchanged base first): chr12-123925170-GTGAC-G. GRCh37 (hg19) VCF-style: chr12-124409717-GTGAC-G.
Other names: c.11539_11542del, p.Asp3847fs (NM_207437.3); short protein forms D3847fs, D3965fs.
Identifiers: ClinVar variation 3382445 (VCV003382445.2).

ClinVar aggregate classification (germline): Uncertain significance (1 of 4 stars; one submission).

Conditions:
Spermatogenic failure 56. Identifiers: MedGen C5561978, MONDO:0030430, OMIM 619515.

Submission:

Juno Genomics, Hangzhou Juno Genomics, Inc
Classification: Uncertain significance for Spermatogenic failure 56. Review status: criteria provided, single submitter. Criteria: ACMG Guidelines, 2015. Collection method: clinical testing. Allele origin: germline. Affected: yes.
Comment: Absent from controls (or at extremely low frequency if recessive) in Genome Aggregation Database, Exome Sequencing Project, 1000 Genomes Project, or Exome Aggregation Consortium.;For recessive disorders, detected in trans with a pathogenic variant.;Patient's phenotype or family history is highly specific for a disease with a single genetic etiology.